The following is an entry in ClinVar:

NM_139057.4(ADAMTS17):c.*2637C>G

Gene: ADAMTS17 (ADAM metallopeptidase with thrombospondin type 1 motif 17; minus strand). Cytogenetic location: 15q26.3.
Variant type: single nucleotide variant.
Coding change: c.*2637C>G on transcript NM_139057.4 (MANE Select); 2637 bases downstream of the stop codon, C replaced by G.
Molecular consequence: 3 prime UTR variant.
Genome position (GRCh38, 1-based): chr15:99,971,765, G>C on the plus strand (C>G on the coding strand, the complement: ADAMTS17 is on the minus strand). VCF-style: chr15-99971765-G-C. GRCh37 (hg19) VCF-style: chr15-100511970-G-C.
Identifiers: ClinVar variation 888400 (VCV000888400.4), dbSNP rs529849561, ClinGen allele CA275482096.

ClinVar aggregate classification (germline): Likely benign (1 of 4 stars; one submission).

Conditions:
Weill-Marchesani 4 syndrome, recessive. Also called: Weill-Marchesani syndrome 4. Identifiers: Orphanet 363992, MedGen C2750787, MONDO:0013176, OMIM 613195.

Allele frequency attached by ClinVar (database versions not stated): TOPMed 0.00001; 1000 Genomes Project 0.00060; 1000 Genomes Project 30x 0.00062.

Submission:

Illumina Laboratory Services, Illumina
Classification: Likely benign for Weill-Marchesani 4 syndrome, recessive. Last evaluated: 2018-01-13. Review status: criteria provided, single submitter. Criteria: ICSL Variant Classification Criteria 13 December 2019. Collection method: clinical testing. Allele origin: germline.
Comment: This variant was observed in the ICSL laboratory as part of a predisposition screen in an ostensibly healthy population. It had not been previously curated by ICSL or reported in the Human Gene Mutation Database (HGMD: prior to June 1st, 2018), and was therefore a candidate for classification through an automated scoring system. Utilizing variant allele frequency, disease prevalence and penetrance estimates, and inheritance mode, an automated score was calculated to assess if this variant is too frequent to cause the disease. Based on the score and internal cut-off values, a variant classified as likely benign is not then subjected to further curation. The score for this variant resulted in a classification of likely benign for this disease.